The following is an entry in ClinVar:

NM_012473.4(TXN2):c.30C>G (p.Phe10Leu)

Gene: TXN2 (thioredoxin 2; minus strand). Cytogenetic location: 22q12.3.
Variant type: single nucleotide variant.
Coding change: c.30C>G on transcript NM_012473.4 (MANE Select); coding-DNA position 30, C replaced by G.
Protein change: p.Phe10Leu; replaces phenylalanine 10 with leucine.
Molecular consequence: missense variant.
Genome position (GRCh38, 1-based): chr22:36,480,808, G>C on the plus strand (C>G on the coding strand, the complement: TXN2 is on the minus strand). VCF-style: chr22-36480808-G-C. GRCh37 (hg19) VCF-style: chr22-36876855-G-C.
Other names: short protein forms F10L.
Identifiers: ClinVar variation 2026294 (VCV002026294.4), dbSNP rs2518121180, ClinGen allele CA411372474.

ClinVar aggregate classification (germline): Uncertain significance (1 of 4 stars; one submission).

Submission:

Labcorp Genetics (formerly Invitae), Labcorp
Classification: Uncertain significance. Last evaluated: 2022-08-30. Review status: criteria provided, single submitter. Criteria: Invitae Variant Classification Sherloc (09022015). Collection method: clinical testing. Allele origin: germline.
Comment: This sequence change replaces phenylalanine, which is neutral and non-polar, with leucine, which is neutral and non-polar, at codon 10 of the TXN2 protein (p.Phe10Leu). This variant is not present in population databases (gnomAD no frequency). In summary, the available evidence is currently insufficient to determine the role of this variant in disease. Therefore, it has been classified as a Variant of Uncertain Significance. Algorithms developed to predict the effect of missense changes on protein structure and function (SIFT, PolyPhen-2, Align-GVGD) all suggest that this variant is likely to be tolerated. This variant has not been reported in the literature in individuals affected with TXN2-related conditions.